The following is an entry in ClinVar:

NM_000051.4(ATM):c.1335A>G (p.Gln445=)

Gene: ATM (ATM serine/threonine kinase; plus strand). Cytogenetic location: 11q22.3.
Variant type: single nucleotide variant.
Coding change: c.1335A>G on transcript NM_000051.4 (MANE Select); coding-DNA position 1335, A replaced by G.
Protein change: p.Gln445=; no amino-acid change (glutamine 445 retained).
Molecular consequence: synonymous variant.
Genome position (GRCh38, 1-based): chr11:108,250,800, A>G. VCF-style: chr11-108250800-A-G. GRCh37 (hg19) VCF-style: chr11-108121527-A-G.
Other names: c.1335A>G, p.Gln445= (NM_001351834.2).
Identifiers: ClinVar variation 481203 (VCV000481203.19), dbSNP rs1385656085, ClinGen allele CA476671927.

ClinVar aggregate classification (germline): Conflicting classifications of pathogenicity. Review status: criteria provided, conflicting classifications (1 of 4 stars). 5 submissions from 5 submitters: Uncertain significance (1); Likely benign (4). Last evaluated 2025-10-29.

Conditions:
Hereditary cancer-predisposing syndrome. Also called: Hereditary neoplastic syndrome; Neoplastic Syndromes, Hereditary; Tumor predisposition; Hereditary Cancer Syndrome. Identifiers: Orphanet 140162, MedGen C0027672, MeSH D009386, MONDO:0015356.
Ataxia-telangiectasia syndrome (AT). Also called: LOUIS-BAR SYNDROME; Cerebello-oculocutaneous telangiectasia; Immunodeficiency with ataxia telangiectasia; AT, COMPLEMENTATION GROUP C; Ataxia-telangiectasia, complementation group D; ATAXIA-TELANGIECTASIA, COMPLEMENTATION GROUP A. Identifiers: Orphanet 100, MedGen C0004135, MONDO:0008840, OMIM 208900.

Allele frequency attached by ClinVar (database versions not stated): gnomAD 0.00001; gnomAD exomes 0.00001; TOPMed 0.00001.
gnomAD v4.1: 10 of 1,613,822 alleles (0.00062%); highest among the groups gnomAD compares: African/African-American, 0.0013%; no homozygotes.

Submissions (5):

Labcorp Genetics (formerly Invitae), Labcorp
Classification: Likely benign for Ataxia-telangiectasia syndrome. Last evaluated: 2025-10-29. Review status: criteria provided, single submitter. Criteria: Invitae Variant Classification Sherloc (09022015). Collection method: clinical testing. Allele origin: germline.

Athena Diagnostics
Classification: Uncertain significance. Last evaluated: 2021-02-01. Review status: criteria provided, single submitter. Criteria: Athena Diagnostics criteria. Collection method: clinical testing. Allele origin: unknown.

GeneDx
Classification: Likely benign. Last evaluated: 2020-05-19. Review status: criteria provided, single submitter. Criteria: GeneDx Variant Classification Process June 2021. Collection method: clinical testing. Allele origin: germline. Affected: yes.
Comment: Not observed in large population cohorts (Lek 2016); In silico analysis supports that this variant does not alter splicing; This variant is associated with the following publications: (PMID: 28779002)

Color Diagnostics, LLC DBA Color Health
Classification: Likely benign for Hereditary cancer-predisposing syndrome. Last evaluated: 2017-12-24. Review status: criteria provided, single submitter. Criteria: ACMG Guidelines, 2015. Collection method: clinical testing. Allele origin: germline.

Ambry Genetics
Classification: Likely benign for Hereditary cancer-predisposing syndrome. Last evaluated: 2015-12-05. Review status: criteria provided, single submitter. Criteria: Ambry Variant Classification Scheme 2023. Collection method: clinical testing. Allele origin: germline.